The following is an entry in ClinVar:

ClinVar aggregate classification (germline): Uncertain significance. Review status: criteria provided, multiple submitters, no conflicts (2 of 4 stars). 2 submissions from 2 submitters: Uncertain significance (2). Last evaluated 2025-07-23.

Conditions:
Inborn genetic diseases. Identifiers: MedGen C0950123, MeSH D030342.

gnomAD v4.1: 12 of 1,612,768 alleles (0.00074%); highest among the groups gnomAD compares: African/African-American, 0.0027%; no homozygotes.

Submissions (2):

Labcorp Genetics (formerly Invitae), Labcorp
Classification: Uncertain significance. Last evaluated: 2025-07-23. Review status: criteria provided, single submitter. Criteria: Invitae Variant Classification Sherloc (09022015). Collection method: clinical testing. Allele origin: germline.
Comment: This sequence change replaces aspartic acid, which is acidic and polar, with glutamic acid, which is acidic and polar, at codon 1578 of the LTBP2 protein (p.Asp1578Glu). This variant is present in population databases (no rsID available, gnomAD 0.004%). This variant has not been reported in the literature in individuals affected with LTBP2-related conditions. An algorithm developed to predict the effect of missense changes on protein structure and function (PolyPhen-2) suggests that this variant is likely to be disruptive. In summary, the available evidence is currently insufficient to determine the role of this variant in disease. Therefore, it has been classified as a Variant of Uncertain Significance.

Ambry Genetics
Classification: Uncertain significance for Inborn genetic diseases. Last evaluated: 2025-06-03. Review status: criteria provided, single submitter. Criteria: Ambry Variant Classification Scheme 2023. Collection method: clinical testing. Allele origin: germline.

NM_000428.3(LTBP2):c.4734C>G (p.Asp1578Glu)

Gene: LTBP2 (latent transforming growth factor beta binding protein 2; minus strand). Cytogenetic location: 14q24.3.
Variant type: single nucleotide variant.
Coding change: c.4734C>G on transcript NM_000428.3 (MANE Select); coding-DNA position 4734, C replaced by G.
Protein change: p.Asp1578Glu; replaces aspartic acid 1578 with glutamic acid.
Molecular consequence: missense variant.
Genome position (GRCh38, 1-based): chr14:74,503,373, G>C on the plus strand (C>G on the coding strand, the complement: LTBP2 is on the minus strand). VCF-style: chr14-74503373-G-C. GRCh37 (hg19) VCF-style: chr14-74970076-G-C.
Other names: short protein forms D1578E.
Identifiers: ClinVar variation 4049853 (VCV004049853.2).